The following is an entry in ClinVar:

NM_000400.4(ERCC2):c.295G>T (p.Gly99Cys)

Gene: ERCC2 (ERCC excision repair 2, TFIIH core complex helicase subunit; minus strand). Cytogenetic location: 19q13.32.
Variant type: single nucleotide variant.
Coding change: c.295G>T on transcript NM_000400.4 (MANE Select); coding-DNA position 295, G replaced by T.
Protein change: p.Gly99Cys; replaces glycine 99 with cysteine.
Molecular consequence: missense variant.
Genome position (GRCh38, 1-based): chr19:45,368,695, C>A on the plus strand (G>T on the coding strand, the complement: ERCC2 is on the minus strand). VCF-style: chr19-45368695-C-A. GRCh37 (hg19) VCF-style: chr19-45871953-C-A.
Other names: c.223G>T, p.Gly75Cys (NM_001130867.2); short protein forms G75C, G99C.
Identifiers: ClinVar variation 3509905 (VCV003509905.1).

ClinVar aggregate classification (germline): Uncertain significance (1 of 4 stars; one submission).

Conditions:
Inborn genetic diseases. Identifiers: MedGen C0950123, MeSH D030342.

gnomAD v4.1: 1 of 1,614,086 alleles (0.000062%); highest among the groups gnomAD compares: Non-Finnish European, 0.000085%; no homozygotes.

Submission:

Ambry Genetics
Classification: Uncertain significance for Inborn genetic diseases. Last evaluated: 2024-11-16. Review status: criteria provided, single submitter. Criteria: Ambry Variant Classification Scheme 2023. Collection method: clinical testing. Allele origin: germline.
Comment: The p.G99C variant (also known as c.295G>T), located in coding exon 5 of the ERCC2 gene, results from a G to T substitution at nucleotide position 295. The glycine at codon 99 is replaced by cysteine, an amino acid with highly dissimilar properties. This amino acid position is conserved. In addition, the in silico prediction for this alteration is inconclusive. Based on the available evidence, the clinical significance of this variant remains unclear.